The following is an entry in ClinVar:

NM_004260.4(RECQL4):c.25G>C (p.Glu9Gln)

Genes: RECQL4 (RecQ like helicase 4; minus strand), LOC130001411 (ATAC-STARR-seq lymphoblastoid silent region 19699; plus strand). Cytogenetic location: 8q24.3.
Variant type: single nucleotide variant.
Coding change: c.25G>C on transcript NM_004260.4 (MANE Select); coding-DNA position 25, G replaced by C.
Protein change: p.Glu9Gln; replaces glutamic acid 9 with glutamine.
Molecular consequence: missense variant. On other transcripts: 5 prime UTR variant (17), non-coding transcript variant (3).
Genome position (GRCh38, 1-based): chr8:144,517,760, C>G on the plus strand (G>C on the coding strand, the complement: RECQL4 is on the minus strand). VCF-style: chr8-144517760-C-G. GRCh37 (hg19) VCF-style: chr8-145743144-C-G.
Other names: c.25G>C, p.Glu9Gln (NM_001413017.1, NM_001413018.1, NM_001413019.1 and 6 more transcripts); c.-761G>C (NM_001413021.1); c.-1112G>C (NM_001413022.1, NM_001413023.1, NM_001413037.1 and 2 more transcripts); c.-1009G>C (NM_001413024.1); c.-1109G>C (NM_001413027.1); c.-837G>C (NM_001413028.1); c.-1174G>C (NM_001413030.1, NM_001413031.1, NM_001413041.1); c.-1006G>C (NM_001413032.1); and 4 more; short protein forms E9Q.
Identifiers: ClinVar variation 3654176 (VCV003654176.2).

ClinVar aggregate classification (germline): Uncertain significance (1 of 4 stars; one submission).

Conditions:
Baller-Gerold syndrome (BGS). Also called: CRANIOSYNOSTOSIS WITH RADIAL DEFECTS. Identifiers: Orphanet 1225, MedGen C0265308, MONDO:0009039, OMIM 218600.

Submission:

Labcorp Genetics (formerly Invitae), Labcorp
Classification: Uncertain significance for Baller-Gerold syndrome. Last evaluated: 2025-12-19. Review status: criteria provided, single submitter. Criteria: Invitae Variant Classification Sherloc (09022015). Collection method: clinical testing. Allele origin: germline.
Comment: This sequence change replaces glutamic acid, which is acidic and polar, with glutamine, which is neutral and polar, at codon 9 of the RECQL4 protein (p.Glu9Gln). This variant is not present in population databases (gnomAD no frequency). This variant has not been reported in the literature in individuals affected with RECQL4-related conditions. ClinVar contains an entry for this variant (Variation ID: 3654176). Experimental studies and prediction algorithms are not available or were not evaluated, and the functional significance of this variant is currently unknown. In summary, the available evidence is currently insufficient to determine the role of this variant in disease. Therefore, it has been classified as a Variant of Uncertain Significance.